The following is an entry in ClinVar:

NM_173660.5(DOK7):c.97G>T (p.Ala33Ser)

Gene: DOK7 (docking protein 7; plus strand). Cytogenetic location: 4p16.3.
Variant type: single nucleotide variant.
Coding change: c.97G>T on transcript NM_173660.5 (MANE Select); coding-DNA position 97, G replaced by T.
Protein change: p.Ala33Ser; replaces alanine 33 with serine.
Molecular consequence: missense variant.
Genome position (GRCh38, 1-based): chr4:3,463,548, G>T. VCF-style: chr4-3463548-G-T. GRCh37 (hg19) VCF-style: chr4-3465275-G-T.
Other names: c.97G>T, p.Ala33Ser (NM_001164673.2, NM_001301071.2, NM_001363811.2); short protein forms A33S.
Identifiers: ClinVar variation 661865 (VCV000661865.8), dbSNP rs1425852835, ClinGen allele CA356112178.

ClinVar aggregate classification (germline): Uncertain significance. Review status: criteria provided, multiple submitters, no conflicts (2 of 4 stars). 3 submissions from 3 submitters: Uncertain significance (3). Last evaluated 2026-03-31.

Conditions:
Fetal akinesia deformation sequence 1 (FADS1). Also called: Fetal akinesia sequence; Pena-Shokeir syndrome type I. Identifiers: Orphanet 994, MedGen C1276035, MONDO:0100101, OMIM 208150, HP:0001989.
Congenital myasthenic syndrome 10. Also called: Myasthenia, limb-girdle, familial. Identifiers: Orphanet 590, MedGen C1850792, MONDO:0009690, OMIM 254300.
Inborn genetic diseases. Identifiers: MedGen C0950123, MeSH D030342.

Allele frequency attached by ClinVar (database versions not stated): gnomAD exomes 0.00015 and 0.00002; TOPMed 0.00002; gnomAD 0.00003 and 0.00002.
gnomAD v4.1: 28 of 1,513,268 alleles (0.0019%); highest among the groups gnomAD compares: Admixed American, 0.053%; no homozygotes.

Submissions (3):

GeneDx
Classification: Uncertain significance. Last evaluated: 2026-03-31. Review status: criteria provided, single submitter. Criteria: GeneDx Variant Classification Process June 2021. Collection method: clinical testing. Allele origin: germline.
Comment: In silico analysis suggests that this missense variant does not alter protein structure/function; Has not been previously published as pathogenic or benign to our knowledge; This variant is associated with the following publications: (PMID: 26198629, 20012313, 20603078)

Ambry Genetics
Classification: Uncertain significance for Inborn genetic diseases. Last evaluated: 2025-08-20. Review status: criteria provided, single submitter. Criteria: Ambry Variant Classification Scheme 2023. Collection method: clinical testing. Allele origin: germline.

Labcorp Genetics (formerly Invitae), Labcorp
Classification: Uncertain significance for Congenital myasthenic syndrome 10; Fetal akinesia deformation sequence 1. Last evaluated: 2022-08-10. Review status: criteria provided, single submitter. Criteria: Invitae Variant Classification Sherloc (09022015). Collection method: clinical testing. Allele origin: germline.
Comment: This sequence change replaces alanine, which is neutral and non-polar, with serine, which is neutral and polar, at codon 33 of the DOK7 protein (p.Ala33Ser). This variant is present in population databases (no rsID available, gnomAD 0.08%). This variant has not been reported in the literature in individuals affected with DOK7-related conditions. ClinVar contains an entry for this variant (Variation ID: 661865). Algorithms developed to predict the effect of missense changes on protein structure and function are either unavailable or do not agree on the potential impact of this missense change (SIFT: "Deleterious"; PolyPhen-2: "Benign"; Align-GVGD: "Class C0"). In summary, the available evidence is currently insufficient to determine the role of this variant in disease. Therefore, it has been classified as a Variant of Uncertain Significance.